The following is an entry in ClinVar:

NM_020975.6(RET):c.*5T>C

Gene: RET (ret proto-oncogene; plus strand). Cytogenetic location: 10q11.21.
Variant type: single nucleotide variant.
Coding change: c.*5T>C on transcript NM_020975.6 (MANE Select); 5 bases downstream of the stop codon, T replaced by C.
Molecular consequence: 3 prime UTR variant. On other transcripts: intron variant (3).
Genome position (GRCh38, 1-based): chr10:43,128,274, T>C. VCF-style: chr10-43128274-T-C. GRCh37 (hg19) VCF-style: chr10-43623722-T-C.
Other names: c.*1520T>C (NM_001355216.2, NM_001406764.1, NM_001406765.1 and 15 more transcripts); c.*5T>C (NM_001406743.1, NM_001406759.1, NM_001406760.1 and 16 more transcripts); c.3188-1244T>C (NM_001406744.1); c.2291-1244T>C (NM_001406781.1); c.2462-1244T>C (NM_001406776.1).
Identifiers: ClinVar variation 3387611 (VCV003387611.1).
Genomic context (GRCh38, chr10:43,128,274, plus strand): 5'-CTAACTGGATGCTTTCACCCTCAGCGGCAAAATTAATGGACACGTTTGATAGTTAACATT[T>C]CTTTGTGAAAGGTAATGGACTCACAAGGGGAAGAAACATGCTGAGAATGGAAAGTCTACC-3'

ClinVar aggregate classification (germline): Uncertain significance (1 of 4 stars; one submission).

Conditions:
Multiple endocrine neoplasia, type 2 (MEN2). Identifiers: Orphanet 653, MedGen C4048306, MONDO:0019003. Disease mechanism: gain of function.

Submission:

All of Us Research Program, National Institutes of Health
Classification: Uncertain significance for Multiple endocrine neoplasia, type 2. Last evaluated: 2024-07-10. Review status: criteria provided, single submitter. Criteria: ACMG Guidelines, 2015. Collection method: clinical testing. Allele origin: germline. Inheritance: Autosomal dominant inheritance. Observed: 1 variant allele, 1 heterozygote.
Comment: This variant is located in the 3' untranslated region of the RET gene. To our knowledge, functional studies have not been reported for this variant. This variant has not been reported in individuals affected with RET-related disorders in the literature. This variant has not been identified in the general population by the Genome Aggregation Database (gnomAD). The available evidence is insufficient to determine the role of this variant in disease conclusively. Therefore, this variant is classified as a Variant of Uncertain Significance.

This study involves interpretation of variants in research participants for the purpose of population health screening. Participant phenotype was not available at the time of variant classification. Additional details can be found in publication PMID: 35346344, PMCID: PMC8962531